The following is an entry in ClinVar:

ClinVar aggregate classification (germline): Likely benign (1 of 4 stars; one submission).

Allele frequency attached by ClinVar (database versions not stated): TOPMed 0.00002.
gnomAD v4.1: 5 of 1,204,306 alleles (0.00042%); no homozygotes.

Submission:

CeGaT Center for Human Genetics Tuebingen
Classification: Likely benign. Last evaluated: 2022-12-01. Review status: criteria provided, single submitter. Criteria: CeGaT Center For Human Genetics Tuebingen Variant Classification Criteria Version 2. Collection method: clinical testing. Allele origin: germline. Affected: yes. Observed: 1 variant allele.
Comment: MTMR8: BP4, BP7

NM_017677.4(MTMR8):c.894T>C (p.Ser298=)

Gene: MTMR8 (myotubularin related protein 8; minus strand). Cytogenetic location: Xq11.2.
Variant type: single nucleotide variant.
Coding change: c.894T>C on transcript NM_017677.4 (MANE Select); coding-DNA position 894, T replaced by C.
Protein change: p.Ser298=; no amino-acid change (serine 298 retained).
Molecular consequence: synonymous variant.
Genome position (GRCh38, 1-based): chrX:64,343,692, A>G on the plus strand (T>C on the coding strand, the complement: MTMR8 is on the minus strand). VCF-style: chrX-64343692-A-G. GRCh37 (hg19) VCF-style: chrX-63563572-A-G.
Identifiers: ClinVar variation 2660752 (VCV002660752.24), dbSNP rs1407708615, ClinGen allele CA516897399.